The following is an entry in ClinVar:

NM_020778.5(ALPK3):c.1598A>T (p.His533Leu)

Genes: ALPK3 (alpha kinase 3; plus strand), LOC111718493 (skeletal muscle cis-regulatory module overlapping ALPK3; plus strand). Cytogenetic location: 15q25.3.
Variant type: single nucleotide variant.
Coding change: c.1598A>T on transcript NM_020778.5 (MANE Select); coding-DNA position 1598, A replaced by T.
Protein change: p.His533Leu; replaces histidine 533 with leucine.
Molecular consequence: missense variant.
Genome position (GRCh38, 1-based): chr15:84,840,877, A>T. VCF-style: chr15-84840877-A-T. GRCh37 (hg19) VCF-style: chr15-85384108-A-T.
Other names: short protein forms H533L.
Identifiers: ClinVar variation 2625905 (VCV002625905.6), dbSNP rs540543822, ClinGen allele CA393376062.

ClinVar aggregate classification (germline): Uncertain significance. Review status: criteria provided, multiple submitters, no conflicts (2 of 4 stars). 2 submissions from 2 submitters: Uncertain significance (2). Last evaluated 2026-09-02.

Conditions:
Cardiovascular phenotype. Identifiers: MedGen CN230736.

gnomAD v4.1: 2 of 1,613,754 alleles (0.00012%); highest among the groups gnomAD compares: Non-Finnish European, 0.000085%; no homozygotes.

Submissions (2):

Ambry Genetics
Classification: Uncertain significance for Cardiovascular phenotype. Last evaluated: 2026-09-02. Review status: criteria provided, single submitter. Criteria: Ambry Variant Classification Scheme 2023. Collection method: clinical testing. Allele origin: germline.

Labcorp Genetics (formerly Invitae), Labcorp
Classification: Uncertain significance. Last evaluated: 2025-05-05. Review status: criteria provided, single submitter. Criteria: Invitae Variant Classification Sherloc (09022015). Collection method: clinical testing. Allele origin: germline.
Comment: This sequence change replaces histidine, which is basic and polar, with leucine, which is neutral and non-polar, at codon 735 of the ALPK3 protein (p.His735Leu). This variant is not present in population databases (gnomAD no frequency). This variant has not been reported in the literature in individuals affected with ALPK3-related conditions. ClinVar contains an entry for this variant (Variation ID: 2625905). Invitae Evidence Modeling of protein sequence and biophysical properties (such as structural, functional, and spatial information, amino acid conservation, physicochemical variation, residue mobility, and thermodynamic stability) indicates that this missense variant is not expected to disrupt ALPK3 protein function with a negative predictive value of 80%. In summary, the available evidence is currently insufficient to determine the role of this variant in disease. Therefore, it has been classified as a Variant of Uncertain Significance.